The following is an entry in ClinVar:

ClinVar aggregate classification (germline): Conflicting classifications of pathogenicity. Review status: criteria provided, conflicting classifications (1 of 4 stars). 13 submissions from 9 submitters: Uncertain significance (4); Benign (3); Likely benign (4). 2 of the submissions do not count toward it. Last evaluated 2026-01-27.

Conditions:
Autosomal recessive limb-girdle muscular dystrophy type 2J (LGMDR10). Also called: MUSCULAR DYSTROPHY, LIMB-GIRDLE, AUTOSOMAL RECESSIVE 10; Limb-girdle muscular dystrophy, type 2J. Identifiers: Orphanet 140922, MedGen C1837342, MONDO:0012127, OMIM 608807.
Dilated cardiomyopathy 1G (CMD1G). Identifiers: Orphanet 154, MedGen C1858763, MONDO:0011400, OMIM 604145.
Tibial muscular dystrophy (TMD). Also called: UDD MYOPATHY; Tibial muscular dystrophy, tardive; Udd Distal Myopathy – Tibial Muscular Dystrophy. Identifiers: Orphanet 609, MedGen C1838244, MONDO:0010870, OMIM 600334.
Early-onset myopathy with fatal cardiomyopathy (CMYO5). Also called: Salih Myopathy; CONGENITAL MYOPATHY 5 WITH CARDIOMYOPATHY. Identifiers: Orphanet 289377, MedGen C2673677, MONDO:0012714, OMIM 611705. Disease mechanism: loss of function.
Myopathy, myofibrillar, 9, with early respiratory failure (MFM9). Also called: Myopathy, distal, with early respiratory failure, autosomal dominant; Hereditary myopathy with early respiratory failure; EDSTROM MYOPATHY; MYOPATHY, PROXIMAL, WITH EARLY RESPIRATORY MUSCLE INVOLVEMENT. Identifiers: Orphanet 178464, Orphanet 34521, MedGen C1863599, MONDO:0011362, OMIM 603689.

Allele frequency attached by ClinVar (database versions not stated): gnomAD 0.00014 and 0.00013; TOPMed 0.00014; ESP Exome Variant Server 0.00017; ExAC 0.00024; gnomAD exomes 0.00034 and 0.00013.
gnomAD v4.1: 505 of 1,578,470 alleles (0.032%); highest among the groups gnomAD compares: Non-Finnish European, 0.041%; no homozygotes.

Submissions (13):

Labcorp Genetics (formerly Invitae), Labcorp
Classification: Likely benign for Dilated cardiomyopathy 1G; Autosomal recessive limb-girdle muscular dystrophy type 2J. Last evaluated: 2026-01-27. Review status: criteria provided, single submitter. Criteria: Invitae Variant Classification Sherloc (09022015). Collection method: clinical testing. Allele origin: germline.

Women's Health and Genetics/Laboratory Corporation of America, LabCorp
Classification: Likely benign. Last evaluated: 2025-07-28. Review status: criteria provided, single submitter. Criteria: LabCorp Variant Classification Summary - May 2015. Collection method: clinical testing. Allele origin: germline.

CeGaT Center for Human Genetics Tuebingen
Classification: Likely benign. Last evaluated: 2025-05-01. Review status: criteria provided, single submitter. Criteria: CeGaT Center For Human Genetics Tuebingen Variant Classification Criteria Version 2. Collection method: clinical testing. Allele origin: germline. Affected: yes. Observed: 2 variant alleles.
Comment: TTN: BP4, BP7

Blueprint Genetics
Classification: Likely benign. Last evaluated: 2024-11-13. Review status: criteria provided, single submitter. Criteria: ACMG Guidelines, 2015. Collection method: clinical testing. Allele origin: germline.

Illumina Laboratory Services, Illumina
Classification: Benign for Myopathy, myofibrillar, 9, with early respiratory failure. Last evaluated: 2018-01-13. Review status: criteria provided, single submitter. Criteria: ICSL Variant Classification Criteria 13 December 2019. Collection method: clinical testing. Allele origin: germline.
Comment: This variant was observed in the ICSL laboratory as part of a predisposition screen in an ostensibly healthy population. It had not been previously curated by ICSL or reported in the Human Gene Mutation Database (HGMD: prior to June 1st, 2018), and was therefore a candidate for classification through an automated scoring system. Utilizing variant allele frequency, disease prevalence and penetrance estimates, and inheritance mode, an automated score was calculated to assess if this variant is too frequent to cause the disease. Based on the score and internal cut-off values, a variant classified as benign is not then subjected to further curation. The score for this variant resulted in a classification of benign for this disease.

Illumina Laboratory Services, Illumina
Classification: Uncertain significance for Early-onset myopathy with fatal cardiomyopathy. Last evaluated: 2018-01-13. Review status: criteria provided, single submitter. Criteria: ICSL Variant Classification Criteria 13 December 2019. Collection method: clinical testing. Allele origin: germline.

Illumina Laboratory Services, Illumina
Classification: Uncertain significance for Autosomal recessive limb-girdle muscular dystrophy type 2J. Last evaluated: 2018-01-13. Review status: criteria provided, single submitter. Criteria: ICSL Variant Classification Criteria 13 December 2019. Collection method: clinical testing. Allele origin: germline.

Illumina Laboratory Services, Illumina
Classification: Uncertain significance for Dilated cardiomyopathy 1G. Last evaluated: 2018-01-13. Review status: criteria provided, single submitter. Criteria: ICSL Variant Classification Criteria 13 December 2019. Collection method: clinical testing. Allele origin: germline.

Illumina Laboratory Services, Illumina
Classification: Benign for Tibial muscular dystrophy. Last evaluated: 2018-01-13. Review status: criteria provided, single submitter. Criteria: ICSL Variant Classification Criteria 13 December 2019. Collection method: clinical testing. Allele origin: germline.
Comment: the same text as in the submission from Illumina Laboratory Services, Illumina above.

Eurofins Ntd Llc (ga)
Classification: Uncertain significance. Last evaluated: 2016-02-02. Review status: criteria provided, single submitter. Criteria: EGL Classification Definitions 2015. Collection method: clinical testing. Allele origin: germline. Observed: 4 variant alleles, 4 heterozygotes.

GeneDx
Classification: Benign. Last evaluated: 2015-03-03. Review status: criteria provided, single submitter. Criteria: GeneDx Variant Classification Process June 2021. Collection method: clinical testing. Allele origin: germline. Affected: yes.

Diagnostic Laboratory, Department of Genetics, University Medical Center Groningen
Classification: Likely benign. Review status: no assertion criteria provided. Collection method: clinical testing. Allele origin: germline. Affected: yes. Study: VKGL Data-share Consensus. Not counted in ClinVar's aggregate classification.

Joint Genome Diagnostic Labs from Nijmegen and Maastricht, Radboudumc and MUMC+
Classification: Benign. Review status: no assertion criteria provided. Collection method: clinical testing. Allele origin: germline. Affected: yes. Study: VKGL Data-share Consensus. Not counted in ClinVar's aggregate classification.

NM_001267550.2(TTN):c.39813A>G (p.Pro13271=)

Gene: TTN (titin; minus strand). Cytogenetic location: 2q31.2.
Variant type: single nucleotide variant.
Coding change: c.39813A>G on transcript NM_001267550.2 (MANE Select); coding-DNA position 39813, A replaced by G.
Protein change: p.Pro13271=; no amino-acid change (proline 13271 retained).
Molecular consequence: synonymous variant. On other transcripts: intron variant (3).
Genome position (GRCh38, 1-based): chr2:178,650,168, T>C on the plus strand (A>G on the coding strand, the complement: TTN is on the minus strand). VCF-style: chr2-178650168-T-C. GRCh37 (hg19) VCF-style: chr2-179514895-T-C.
Other names: c.35292A>G, p.Pro11764= (NM_001256850.1); c.32511A>G, p.Pro10837= (NM_133378.4); c.13283-7851A>G (NM_003319.4); c.13859-7851A>G (NM_133437.4); c.13658-7851A>G (NM_133432.3).
Identifiers: ClinVar variation 284678 (VCV000284678.52), dbSNP rs373429851, ClinGen allele CA1996599.
Genomic context (GRCh38, chr2:178,650,168, plus strand): 5'-TAGACATGAAAAATGAAATGACTGTATTTTCCCATACAGTGGATTCTGCTTTGTACCTGC[T>C]GGAGGTGGAACCTCTGGTTCCTCCTCTTCTGCAACAGGAACTGGCTTTTCCTCTTCAGGA-3'
Protein context (NP_001254479.2, residues 13261-13281): AEEEEPEVPP[Pro13271=]AVPEEPKKII